The following is an entry in ClinVar:

ClinVar aggregate classification (germline): Uncertain significance. Review status: criteria provided, multiple submitters, no conflicts (2 of 4 stars). 3 submissions from 3 submitters: Uncertain significance (3). Last evaluated 2025-08-23.

Conditions:
Cone-rod dystrophy 6 (CORD6). Also called: Cone dystrophy progressive; RETINAL CONE DYSTROPHY 2. Identifiers: Orphanet 1872, MedGen C1866293, MONDO:0011143, OMIM 601777.
Leber congenital amaurosis 1 (LCA1). Also called: Congenital absence of the rods and cones; Leber's congenital tapetoretinal degeneration; Leber's congenital tapetoretinal dysplasia; AMAUROSIS CONGENITA OF LEBER I; RETINAL BLINDNESS, CONGENITAL. Identifiers: Orphanet 65, MedGen C2931258, MONDO:0008764, OMIM 204000.
Inborn genetic diseases. Identifiers: MedGen C0950123, MeSH D030342.

Allele frequency attached by ClinVar (database versions not stated): gnomAD 0.00001.
gnomAD v4.1: 15 of 1,613,534 alleles (0.00093%); highest among the groups gnomAD compares: Non-Finnish European, 0.0012%; no homozygotes.

Submissions (3):

Ambry Genetics
Classification: Uncertain significance for Inborn genetic diseases. Last evaluated: 2025-08-23. Review status: criteria provided, single submitter. Criteria: Ambry Variant Classification Scheme 2023. Collection method: clinical testing. Allele origin: germline.

Labcorp Genetics (formerly Invitae), Labcorp
Classification: Uncertain significance for Leber congenital amaurosis 1; Cone-rod dystrophy 6. Last evaluated: 2022-10-30. Review status: criteria provided, single submitter. Criteria: Invitae Variant Classification Sherloc (09022015). Collection method: clinical testing. Allele origin: germline.
Comment: This sequence change replaces arginine, which is basic and polar, with glycine, which is neutral and non-polar, at codon 966 of the GUCY2D protein (p.Arg966Gly). This variant is present in population databases (no rsID available, gnomAD 0.003%). This variant has not been reported in the literature in individuals affected with GUCY2D-related conditions. ClinVar contains an entry for this variant (Variation ID: 1474107). Advanced modeling of protein sequence and biophysical properties (such as structural, functional, and spatial information, amino acid conservation, physicochemical variation, residue mobility, and thermodynamic stability) performed at Invitae indicates that this missense variant is not expected to disrupt GUCY2D protein function. In summary, the available evidence is currently insufficient to determine the role of this variant in disease. Therefore, it has been classified as a Variant of Uncertain Significance.

Blueprint Genetics
Classification: Uncertain significance. Last evaluated: 2022-03-08. Review status: criteria provided, single submitter. Criteria: ACMG Guidelines, 2015. Collection method: clinical testing. Allele origin: germline.

NM_000180.4(GUCY2D):c.2896C>G (p.Arg966Gly)

Gene: GUCY2D (guanylate cyclase 2D, retinal; plus strand). Cytogenetic location: 17p13.1.
Variant type: single nucleotide variant.
Coding change: c.2896C>G on transcript NM_000180.4 (MANE Select); coding-DNA position 2896, C replaced by G.
Protein change: p.Arg966Gly; replaces arginine 966 with glycine.
Molecular consequence: missense variant.
Genome position (GRCh38, 1-based): chr17:8,015,454, C>G. VCF-style: chr17-8015454-C-G. GRCh37 (hg19) VCF-style: chr17-7918772-C-G.
Other names: c.2896C>G (NM_000180.3); short protein forms R966G.
Identifiers: ClinVar variation 1474107 (VCV001474107.7), dbSNP rs933256547, ClinGen allele CA287533776.
Genomic context (GRCh38, chr17:8,015,454, plus strand): 5'-GCGGCAGAGATCGCCAACATGTCACTGGACATCCTCAGTGCCGTGGGCACTTTCCGCATG[C>G]GCCATATGCCTGAGGTTCCCGTGCGCATCCGCATAGGCCTGCACTCGGGTAACTCCCGGG-3'
Protein context (NP_000171.1, residues 956-976): ILSAVGTFRM[Arg966Gly]HMPEVPVRIR